The following is an entry in ClinVar:

NM_000083.3(CLCN1):c.2015G>C (p.Arg672Pro)

Genes: CLCN1 (chloride voltage-gated channel 1; plus strand), LOC123956257 (Sharpr-MPRA regulatory region 4117; plus strand). Cytogenetic location: 7q34.
Variant type: single nucleotide variant.
Coding change: c.2015G>C on transcript NM_000083.3 (MANE Select); coding-DNA position 2015, G replaced by C.
Protein change: p.Arg672Pro; replaces arginine 672 with proline.
Molecular consequence: missense variant. On other transcripts: non-coding transcript variant (1).
Genome position (GRCh38, 1-based): chr7:143,345,605, G>C. VCF-style: chr7-143345605-G-C. GRCh37 (hg19) VCF-style: chr7-143042698-G-C.
Other names: c.2015G>C (NM_000083.2); short protein forms R672P.
Identifiers: ClinVar variation 1387357 (VCV001387357.8), dbSNP rs777888721, ClinGen allele CA4537526.
Genomic context (GRCh38, chr7:143,345,605, plus strand): 5'-TGGAGCGGTCGGAACTGCAGGCCCTCCTGCAGCGCCACCTGTGTCCTGAGCGCAGGCTGC[G>C]CGCAGCCCAAGAGATGGCGCGGAAGTTGTCGGAGCTGCCTTACGACGGGAAGGCGCGGCT-3'
Protein context (NP_000074.3, residues 662-682): QRHLCPERRL[Arg672Pro]AAQEMARKLS

ClinVar aggregate classification (germline): Uncertain significance. Review status: criteria provided, multiple submitters, no conflicts (2 of 4 stars). 3 submissions from 3 submitters: Uncertain significance (3). Last evaluated 2025-02-15.

Conditions:
Congenital myotonia, autosomal recessive form. Also called: BECKER DISEASE; Becker Generalized Myotonia; myotonia congenita, autosomal recessive. Identifiers: Orphanet 614, MedGen C0751360, MONDO:0009715, OMIM 255700.
Congenital myotonia, autosomal dominant form (THD). Also called: THOMSEN DISEASE; Myotonia congenita autosomal dominant. Identifiers: Orphanet 614, MedGen C2936781, MONDO:0008055, OMIM 160800.
Inborn genetic diseases. Identifiers: MedGen C0950123, MeSH D030342.

Allele frequency attached by ClinVar (database versions not stated): gnomAD 0.00001; gnomAD exomes 0.00001 and 0.00002; TOPMed 0.00002.

Submissions (3):

Labcorp Genetics (formerly Invitae), Labcorp
Classification: Uncertain significance for Congenital myotonia, autosomal recessive form; Congenital myotonia, autosomal dominant form. Last evaluated: 2025-02-15. Review status: criteria provided, single submitter. Criteria: Invitae Variant Classification Sherloc (09022015). Collection method: clinical testing. Allele origin: germline.
Comment: This sequence change replaces arginine, which is basic and polar, with proline, which is neutral and non-polar, at codon 672 of the CLCN1 protein (p.Arg672Pro). This variant is present in population databases (rs777888721, gnomAD 0.004%). This variant has not been reported in the literature in individuals affected with CLCN1-related conditions. ClinVar contains an entry for this variant (Variation ID: 1387357). Invitae Evidence Modeling of protein sequence and biophysical properties (such as structural, functional, and spatial information, amino acid conservation, physicochemical variation, residue mobility, and thermodynamic stability) indicates that this missense variant is not expected to disrupt CLCN1 protein function with a negative predictive value of 95%. In summary, the available evidence is currently insufficient to determine the role of this variant in disease. Therefore, it has been classified as a Variant of Uncertain Significance.

Ambry Genetics
Classification: Uncertain significance for Inborn genetic diseases. Last evaluated: 2022-10-25. Review status: criteria provided, single submitter. Criteria: Ambry Variant Classification Scheme 2023. Collection method: clinical testing. Allele origin: germline.

GeneDx
Classification: Uncertain significance. Last evaluated: 2022-07-19. Review status: criteria provided, single submitter. Criteria: GeneDx Variant Classification Process June 2021. Collection method: clinical testing. Allele origin: germline. Affected: yes.
Comment: Not observed at significant frequency in large population cohorts (gnomAD); In silico analysis supports that this missense variant does not alter protein structure/function; Has not been previously published as pathogenic or benign to our knowledge